The following is an entry in ClinVar:

ClinVar aggregate classification (germline): Pathogenic. Review status: reviewed by expert panel (3 of 4 stars). 2 submissions from 2 submitters: Pathogenic (1). 1 of the submissions does not count toward it. Last evaluated 2025-09-05.

Conditions:
RPGR-related retinopathy. Also called: RPGR retinopathy. Identifiers: MedGen CN305589, MONDO:0100437.
RPGR-related disorder. Also called: RPGR-related condition.

Submissions (2):

ClinGen X-linked Inherited Retinal Disease Variant Curation Expert Panel, ClinGen
Classification: Pathogenic for RPGR-related retinopathy. Last evaluated: 2025-09-05. Review status: reviewed by expert panel. Criteria: ClinGen X LinkedIRD ACMG Specifications RPGR V1.0.0. Collection method: curation. Allele origin: germline. Inheritance: X-linked inheritance.
Comment: NM_001034853.2(RPGR):c.2506G>T (p.Glu836Ter) is a nonsense variant that introduces a premature stop in codon 836 within exon 15 of 15 that is predicted to disrupt a critical C-terminal region required for proper glutamylation of RPGR (PVS1, PMID: 36445968). This variant is absent from gnomAD v4.1.0 (PM2_Supporting). At least one proband harboring this variant exhibits a phenotype including presentation with poor visual acuity (0.5 pts) with onset at age 3 years (1 pt), reduced rod electroretinogram responses, fundus appearance showing widespread retinal pigment epithelium degeneration with mid-periphery pigment deposits (0.5 pts), optic disc pallor (0.5 pts), cataract, severe macular degeneration, artery attenuation, and genotyping by next-generation sequencing with a panel of 483 genes identifying no alternative basis for retinal disease (2 pts), which together are specific for RPGR-related retinopathy (4.5 points, PMID: 36276946, PP4). In summary, this variant is classified as pathogenic for RPGR-related retinopathy based on the ClinGen X-linked Inherited Retinal Disease Expert Panel Specifications to the ACMG/AMP Variant Interpretation Guidelines for RPGR Version 1.0.0; PVS1, PM2_Supporting, and PP4.

Blueprint Genetics
Classification: Pathogenic for RPGR-related disorders. Last evaluated: 2022-09-28. Review status: criteria provided, single submitter. Criteria: ACMG Guidelines, 2015. Collection method: clinical testing. Allele origin: germline. Affected: yes. Observed: 1 variant allele. Not counted in ClinVar's aggregate classification.

NM_001034853.2(RPGR):c.2506G>T (p.Glu836Ter)

Gene: RPGR (retinitis pigmentosa GTPase regulator; minus strand). Cytogenetic location: Xp11.4.
Variant type: single nucleotide variant.
Coding change: c.2506G>T on transcript NM_001034853.2 (MANE Select); coding-DNA position 2506, G replaced by T.
Protein change: p.Glu836Ter; replaces glutamic acid 836 with a stop codon.
Molecular consequence: nonsense. On other transcripts: intron variant (8).
Genome position (GRCh38, 1-based): chrX:38,286,493, C>A on the plus strand (G>T on the coding strand, the complement: RPGR is on the minus strand). VCF-style: chrX-38286493-C-A. GRCh37 (hg19) VCF-style: chrX-38145746-C-A.
Other names: NM_001034853.2:c.2506G>T; c.1569+4466G>T (NM_001367249.1, NM_001367250.1); c.1902+601G>T (NM_001367245.1); c.1386+4466G>T (NM_001367251.1); c.1719+601G>T (NM_001367246.1); c.1572+4466G>T (NM_001367247.1); c.1905+601G>T (NM_000328.3); c.1602+4466G>T (NM_001367248.1); short protein forms E836*.
Identifiers: ClinVar variation 4082168 (VCV004082168.2).